The following is an entry in ClinVar:

ClinVar aggregate classification (germline): Likely benign (1 of 4 stars; one submission).

Submission:

GeneDx
Classification: Likely benign. Last evaluated: 2015-10-28. Review status: criteria provided, single submitter. Criteria: GeneDx Variant Classification (06012015). Collection method: clinical testing. Allele origin: germline. Affected: yes.
Comment: This variant is considered likely benign or benign based on one or more of the following criteria: it is a conservative change, it occurs at a poorly conserved position in the protein, it is predicted to be benign by multiple in silico algorithms, and/or has population frequency not consistent with disease.

NM_015443.4(KANSL1):c.3215C>T (p.Thr1072Ile)

Gene: KANSL1 (KAT8 regulatory NSL complex subunit 1). Cytogenetic location: 17q21.31.
Variant type: single nucleotide variant.
Coding change: c.3215C>T on transcript NM_015443.4 (MANE Select); coding-DNA position 3215, C replaced by T.
Protein change: p.Thr1072Ile; replaces threonine 1072 with isoleucine.
Molecular consequence: missense variant.
Genome position (GRCh38, 1-based): chr17:46,031,579, G>A on the plus strand (C>T on the coding strand, the complement: KANSL1 is on the minus strand). VCF-style: chr17-46031579-G-A. GRCh37 (hg19) VCF-style: chr17-44108945-G-A.
Other names: c.3212C>T, p.Thr1071Ile (NM_001193465.2); c.3215C>T, p.Thr1072Ile (NM_001193466.2, NM_001379198.1); short protein forms T1072I, T1071I.
Identifiers: ClinVar variation 381249 (VCV000381249.1), dbSNP rs1057520993, ClinGen allele CA16608476.